The following is an entry in ClinVar:

NM_001287491.2(TET3):c.3130-5C>T

Gene: TET3 (tet methylcytosine dioxygenase 3; plus strand). Cytogenetic location: 2p13.1.
Variant type: single nucleotide variant.
Coding change: c.3130-5C>T on transcript NM_001287491.2 (MANE Select); 5 bases into the intron before coding-DNA position 3130, C replaced by T.
Molecular consequence: intron variant.
Genome position (GRCh38, 1-based): chr2:74,093,524, C>T. VCF-style: chr2-74093524-C-T. GRCh37 (hg19) VCF-style: chr2-74320651-C-T.
Other names: c.2851-5C>T (NM_001366022.1).
Identifiers: ClinVar variation 1343781 (VCV001343781.1), dbSNP rs1690633290, ClinGen allele CA1261266507.
Genomic context (GRCh38, chr2:74,093,524, plus strand): 5'-CAGGTGCAGAATCGGGGCCACTCACCTCAGGTCATGTGAGCACCTCTCCTTGGCTGTCTA[C>T]ACAGGTGACCAACGAGGAAATAGCGATTGACTGCCGTCTGGGGCTGAAGGAAGGACGGCC-3'

ClinVar aggregate classification (germline): Uncertain significance (1 of 4 stars; one submission).

Conditions:
TET3-related disorder. Also called: TET3-related condition; TET3-Related Disease.

Allele frequency attached by ClinVar (database versions not stated): gnomAD exomes below 0.00001; TOPMed 0.00002.
gnomAD v4.1: 3 of 1,604,102 alleles (0.00019%); highest among the groups gnomAD compares: Admixed American, 0.0017%; no homozygotes.

Submission:

Rady Children's Institute for Genomic Medicine, Rady Children's Hospital San Diego
Classification: Uncertain significance for TET3-Related Disease. Review status: criteria provided, single submitter. Criteria: ACMG Guidelines, 2015. Collection method: clinical testing. Allele origin: germline. Affected: yes. Study: CSER-NYCKidSeq.
Comment: This variant has not been previously reported or functionally characterized in the literature to our knowledge. It is present in the heterozygous state in the gnomAD population database at a frequency of 0.0004% (1/248862) and thus is presumed to be rare. In silico tools used to predict the effect of this variant on protein function yield discordant results. Based on the available evidence, the c.3541G>C (p.Glu1181Gln) variant is classified as Variant of Uncertain Significance.